The following is an entry in ClinVar:

ClinVar aggregate classification (germline): Benign/Likely benign. Review status: criteria provided, multiple submitters, no conflicts (2 of 4 stars). 5 submissions from 5 submitters: Benign (3); Likely benign (2). Last evaluated 2026-06-01.

Allele frequency attached by ClinVar (database versions not stated): gnomAD 0.00151 and 0.00160; 1000 Genomes Project 30x 0.00156; 1000 Genomes Project 0.00160; ESP Exome Variant Server 0.00169; TOPMed 0.00192.
gnomAD v4.1: 526 of 1,614,262 alleles (0.033%); highest among the groups gnomAD compares: African/African-American, 0.43%; 1 homozygote.

Submissions (5):

CeGaT Center for Human Genetics Tuebingen
Classification: Likely benign. Last evaluated: 2026-06-01. Review status: criteria provided, single submitter. Criteria: CeGaT Center For Human Genetics Tuebingen Variant Classification Criteria Version 2. Collection method: clinical testing. Allele origin: germline. Affected: yes. Observed: 1 variant allele.
Comment: CANT1: BP4, BP7

Labcorp Genetics (formerly Invitae), Labcorp
Classification: Benign. Last evaluated: 2026-01-25. Review status: criteria provided, single submitter. Criteria: Invitae Variant Classification Sherloc (09022015). Collection method: clinical testing. Allele origin: germline.

Blueprint Genetics
Classification: Likely benign. Last evaluated: 2024-11-01. Review status: criteria provided, single submitter. Criteria: ACMG Guidelines, 2015. Collection method: clinical testing. Allele origin: germline.

Eurofins Ntd Llc (ga)
Classification: Benign. Last evaluated: 2015-06-09. Review status: criteria provided, single submitter. Criteria: EGL Classification Definitions 2015. Collection method: clinical testing. Allele origin: germline. Observed: 1 variant allele, 1 heterozygote.

Breakthrough Genomics
Classification: Benign. Review status: criteria provided, single submitter. Criteria: ACMG Guidelines, 2015. Collection method: not provided. Allele origin: germline. Inheritance: Autosomal recessive inheritance. Affected: yes.

NM_001159773.2(CANT1):c.1134G>A (p.Thr378=)

Gene: CANT1 (calcium activated nucleotidase 1; minus strand). Cytogenetic location: 17q25.3.
Variant type: single nucleotide variant.
Coding change: c.1134G>A on transcript NM_001159773.2 (MANE Select); coding-DNA position 1134, G replaced by A.
Protein change: p.Thr378=; no amino-acid change (threonine 378 retained).
Molecular consequence: synonymous variant.
Genome position (GRCh38, 1-based): chr17:78,993,622, C>T on the plus strand (G>A on the coding strand, the complement: CANT1 is on the minus strand). VCF-style: chr17-78993622-C-T. GRCh37 (hg19) VCF-style: chr17-76989704-C-T.
Other names: c.1134G>A, p.Thr378= (NM_001159772.2, NM_138793.4).
Identifiers: ClinVar variation 281343 (VCV000281343.18), dbSNP rs35324359, ClinGen allele CA8808503.